The following is an entry in ClinVar:

NM_000117.3(EMD):c.643_653dup (p.Gln219fs)

Gene: EMD (emerin; plus strand). Cytogenetic location: Xq28.
Variant type: Duplication.
Coding change: c.643_653dup on transcript NM_000117.3 (MANE Select); coding-DNA positions 643 to 653, 11 bases duplicated (GCTGGGCTGGG).
Protein change: p.Gln219fs; shifts the reading frame from glutamine 219.
Molecular consequence: frameshift variant.
Genome position (GRCh38, 1-based): chrX:154,381,075-154,381,085, GCTGGGCTGGG duplicated; duplicating any 11 consecutive bases within chrX:154,381,070-154,381,085 gives the same sequence; the c. name uses the placement nearest the transcript's 3' end. VCF-style (leftmost placement, unchanged base first): chrX-154381069-C-CCTGGGGCTGGG. GRCh37 (hg19) VCF-style: chrX-153609429-C-CCTGGGGCTGGG.
Other names: short protein forms Q219fs.
Identifiers: ClinVar variation 1074346 (VCV001074346.9), dbSNP rs2148128961, ClinGen allele CA2499226500.
Genomic context (GRCh38, chrX:154,381,069, plus strand): 5'-TCCTCATCATCTTCCTCTTCATGGCTCACCCGCCGTGCCATCCGGCCTGAAAACCGTGCT[C>CCTGGGGCTGGG]CTGGGGCTGGGCTGGGCCAGGATCGCCAGGTCCCGCTCTGGGGCCAGCTGCTGCTTTTCC-3'

ClinVar aggregate classification (germline): Pathogenic (1 of 4 stars; one submission).

Conditions:
X-linked Emery-Dreifuss muscular dystrophy. Also called: Muscular dystrophy, tardive Emery-Dreifuss type, with contractures. Identifiers: Orphanet 261, Orphanet 98863, MedGen C0751337, MONDO:0010680.

Submission:

Labcorp Genetics (formerly Invitae), Labcorp
Classification: Pathogenic for X-linked Emery-Dreifuss muscular dystrophy. Last evaluated: 2022-08-29. Review status: criteria provided, single submitter. Criteria: Invitae Variant Classification Sherloc (09022015). Collection method: clinical testing. Allele origin: germline.
Comment: This sequence change creates a premature translational stop signal (p.Gln219Leufs*22) in the EMD gene. While this is not anticipated to result in nonsense mediated decay, it is expected to disrupt the last 36 amino acid(s) of the EMD protein. This variant is not present in population databases (gnomAD no frequency). This premature translational stop signal has been observed in individual(s) with clinical features of Emery-Dreifuss muscular dystrophy (Invitae). ClinVar contains an entry for this variant (Variation ID: 1074346). This variant disrupts a region of the EMD protein in which other variant(s) (p.Trp266*) have been determined to be pathogenic (PMID: 8589715, 15967842). This suggests that this is a clinically significant region of the protein, and that variants that disrupt it are likely to be disease-causing. For these reasons, this variant has been classified as Pathogenic.

Literature cited by the submitters: PubMed 8589715; PubMed 15967842.